The following is an entry in ClinVar:

ClinVar aggregate classification (germline): Pathogenic. Review status: reviewed by expert panel (3 of 4 stars). 4 submissions from 4 submitters: Pathogenic (1). 3 of the submissions do not count toward it. Last evaluated 2023-12-29.

Conditions:
Marfan syndrome (MFS). Also called: MARFAN SYNDROME, TYPE I; FBN1-Related Marfan Syndrome; Marfan syndrome type 1; Marfan's syndrome; Marfan syndrome, classic. Identifiers: Orphanet 284963, Orphanet 558, MedGen C0024796, MONDO:0007947, OMIM 154700.
Familial thoracic aortic aneurysm and aortic dissection (TAAD). Also called: Thoracic aortic aneurysms and dissections. Identifiers: Orphanet 91387, MedGen C4707243, MONDO:0019625.

Submissions (4):

ClinGen FBN1 Variant Curation Expert Panel, ClinGen
Classification: Pathogenic for Marfan syndrome. Last evaluated: 2023-12-29. Review status: reviewed by expert panel. Criteria: Assertion Criteria VCEP FBN1 Version 1. Collection method: curation. Allele origin: germline. Inheritance: Autosomal dominant inheritance.
Comment: NM_000138.5 c.3707G>A is a missense variant in FBN1 predicted to cause a substitution of a cysteine by tyrosine at amino acid 1236 (p.Cys1236Tyr). This variant has been identified in at least three individuals including two probands with clinical diagnoses of Marfan syndrome, with neonatal onset in one case, and one proband with a highly specific Marfan syndrome phenotype including thoracic aortic aneurysm and dissection (TAAD), ectopia lentis, and systemic features of Marfan syndrome (PS4_moderate, PP4; UZG, Mayo, & Bichat internal data). It is not present in gnomAD (PM2_supporting; v2.1.1 & v3.1.2). This variant affects a cysteine residue in a calcium-binding EGF-like domain; cysteine residues are involved in the formation of disulfide bridges which are essential for the protein structure (PM1_strong). Computational prediction tools and conservation analysis support that this variant is likely to impact the protein (PP3; REVEL = 0.960). The constraint z-score for missense variants affecting FBN1 is 5.06 (PP2). In summary, this variant meets criteria to be classified as pathogenic for Marfan syndrome based on the ACMG/AMP criteria applied, as specified by the ClinGen FBN1 VCEP: PM1_strong, PS4_moderate, PP2, PP3, PP4, PM2_supporting.

Labcorp Genetics (formerly Invitae), Labcorp
Classification: Pathogenic for Marfan syndrome; Familial thoracic aortic aneurysm and aortic dissection. Last evaluated: 2022-02-18. Review status: criteria provided, single submitter. Criteria: Invitae Variant Classification Sherloc (09022015). Collection method: clinical testing. Allele origin: germline. Not counted in ClinVar's aggregate classification.
Comment: ClinVar contains an entry for this variant (Variation ID: 495599). For these reasons, this variant has been classified as Pathogenic. This variant affects a cysteine residue in the EGF-like, TGFBP or hybrid motif domains of FBN1. Cysteine residues are believed to be involved in intramolecular disulfide bridges and have been shown to be important for FBN1 protein structure (PMID: 16905551, 19349279). In addition, missense substitutions affecting cysteine residues within these domains are significantly overrepresented among patients with Marfan syndrome (PMID: 16571647, 17701892). Advanced modeling of protein sequence and biophysical properties (such as structural, functional, and spatial information, amino acid conservation, physicochemical variation, residue mobility, and thermodynamic stability) performed at Invitae indicates that this missense variant is expected to disrupt FBN1 protein function. This missense change has been observed in individual(s) with clinical features of Marfan syndrome (Invitae). In at least one individual the variant was observed to be de novo. This variant is not present in population databases (gnomAD no frequency). This sequence change replaces cysteine, which is neutral and slightly polar, with tyrosine, which is neutral and polar, at codon 1236 of the FBN1 protein (p.Cys1236Tyr).

Revvity Omics, Revvity
Classification: Uncertain significance. Last evaluated: 2021-09-10. Review status: criteria provided, single submitter. Criteria: ACMG Guidelines, 2015. Collection method: clinical testing. Allele origin: germline. Not counted in ClinVar's aggregate classification.

Women's Health and Genetics/Laboratory Corporation of America, LabCorp
Classification: Uncertain significance. Last evaluated: 2016-10-24. Review status: criteria provided, single submitter. Criteria: LabCorp Variant Classification Summary - May 2015. Collection method: clinical testing. Allele origin: germline. Not counted in ClinVar's aggregate classification.
Comment: Variant summary: The FBN1 c.3707G>A (p.Cys1236Tyr) variant involves the alteration of a conserved nucleotide. 4/4 in silico tools predict a damaging outcome for this substitution(SNPs&GO not captured due to low reliability index). This variant lies in a conserved region within the EGF-like #19 domain (Uniprot). "The sulfhydryl group of cysteine is unique in its ability to participate in disulfide covalent cross-linkage. In fact, two thirds of fibrillin cysteine residues exist in the half-cystinyl form, suggesting their participation in intramolecular disulfide linkage. The cysteine residues in the EGF-like motif may also be necessary for intermolecular interactions with other fibrillin molecules or with other proteins (Dietz_1992 PMID:1301946). Therefore, alteration of cysteine residues in this domain could disrupt disulfide binding, effecting secondary or tertiary structure or possibly impairing fibrillin interactions. In support of a deleterious effect of this variant, the variant is absent from 121384 control chromosomes. Therefore, this variant is classified as a variant of uncertain significance - possibly pathogenic.

Literature cited by the submitters: PubMed 16905551 (cited by Labcorp Genetics (formerly Invitae), Labcorp); PubMed 19349279 (cited by Labcorp Genetics (formerly Invitae), Labcorp); PubMed 16571647 (cited by Labcorp Genetics (formerly Invitae), Labcorp); PubMed 17701892 (cited by Labcorp Genetics (formerly Invitae), Labcorp).

NM_000138.5(FBN1):c.3707G>A (p.Cys1236Tyr)

Gene: FBN1 (fibrillin 1; minus strand). Cytogenetic location: 15q21.1.
Variant type: single nucleotide variant.
Coding change: c.3707G>A on transcript NM_000138.5 (MANE Select); coding-DNA position 3707, G replaced by A.
Protein change: p.Cys1236Tyr; replaces cysteine 1236 with tyrosine.
Molecular consequence: missense variant.
Genome position (GRCh38, 1-based): chr15:48,485,379, C>T on the plus strand (G>A on the coding strand, the complement: FBN1 is on the minus strand). VCF-style: chr15-48485379-C-T. GRCh37 (hg19) VCF-style: chr15-48777576-C-T.
Other names: NM_000138.5(FBN1):c.3707G>A; p.Cys1236Tyr; short protein forms C1236Y.
Identifiers: ClinVar variation 495599 (VCV000495599.14), dbSNP rs1555398377, ClinGen allele CA392324303.